The following is an entry in ClinVar:

ClinVar aggregate classification (germline): Likely pathogenic (1 of 4 stars; one submission).

Conditions:
Cone dystrophy with supernormal rod response (CDSRR). Also called: CONE DYSTROPHY WITH SUPERNORMAL ROD RESPONSES. Identifiers: Orphanet 209932, MedGen C1835897, MONDO:0012475, OMIM 610356.

gnomAD v4.1: 1 of 1,614,012 alleles (0.000062%); highest among the groups gnomAD compares: Non-Finnish European, 0.000085%; no homozygotes.

Submission:

First Genomix Gene Laboratory, Genetic Diagnostics Department
Classification: Likely pathogenic for Cone dystrophy with supernormal rod response. Last evaluated: 2025-09-02. Review status: criteria provided, single submitter. Criteria: ACMG Guidelines, 2015. Collection method: clinical testing. Allele origin: germline. Inheritance: Autosomal recessive inheritance. Affected: no. Observed: 1 variant allele.

NM_133497.4(KCNV2):c.1479C>A (p.Tyr493Ter)

Gene: KCNV2 (potassium voltage-gated channel modifier subfamily V member 2; plus strand). Cytogenetic location: 9p24.2.
Variant type: single nucleotide variant.
Coding change: c.1479C>A on transcript NM_133497.4 (MANE Select); coding-DNA position 1479, C replaced by A.
Protein change: p.Tyr493Ter; replaces tyrosine 493 with a stop codon.
Molecular consequence: nonsense.
Genome position (GRCh38, 1-based): chr9:2,729,568, C>A. VCF-style: chr9-2729568-C-A. GRCh37 (hg19) VCF-style: chr9-2729568-C-A.
Other names: short protein forms Y493*.
Identifiers: ClinVar variation 4850288 (VCV004850288.1).
Genomic context (GRCh38, chr9:2,729,568, plus strand): 5'-TGCCTTCCTCTGCATTGCTTTTGGGATCATTCTCAACGGGATGCCCATTTCCATCCTCTA[C>A]AACAAGTTTTCTGATTACTACAGCAAGCTGAAGGCTTATGAGTATACCACCATACGCAGG-3'